The following is an entry in ClinVar:

ClinVar aggregate classification (germline): Uncertain significance (1 of 4 stars; one submission).

Submission:

Labcorp Genetics (formerly Invitae), Labcorp
Classification: Uncertain significance. Last evaluated: 2024-06-11. Review status: criteria provided, single submitter. Criteria: Invitae Variant Classification Sherloc (09022015). Collection method: clinical testing. Allele origin: germline.
Comment: This sequence change replaces serine, which is neutral and polar, with asparagine, which is neutral and polar, at codon 457 of the MICAL1 protein (p.Ser457Asn). This variant is not present in population databases (gnomAD no frequency). This variant has not been reported in the literature in individuals affected with MICAL1-related conditions. An algorithm developed to predict the effect of missense changes on protein structure and function (PolyPhen-2) suggests that this variant is likely to be disruptive. In summary, the available evidence is currently insufficient to determine the role of this variant in disease. Therefore, it has been classified as a Variant of Uncertain Significance.

NM_022765.4(MICAL1):c.1313G>A (p.Ser438Asn)

Gene: MICAL1 (microtubule associated monooxygenase, calponin and LIM domain containing 1; minus strand). Cytogenetic location: 6q21.
Variant type: single nucleotide variant.
Coding change: c.1313G>A on transcript NM_022765.4 (MANE Select); coding-DNA position 1313, G replaced by A.
Protein change: p.Ser438Asn; replaces serine 438 with asparagine.
Molecular consequence: missense variant.
Genome position (GRCh38, 1-based): chr6:109,449,778, C>T on the plus strand (G>A on the coding strand, the complement: MICAL1 is on the minus strand). VCF-style: chr6-109449778-C-T. GRCh37 (hg19) VCF-style: chr6-109770981-C-T.
Other names: c.1055G>A, p.Ser352Asn (NM_001159291.2); c.1370G>A, p.Ser457Asn (NM_001286613.2); short protein forms S457N, S438N, S352N.
Identifiers: ClinVar variation 3656226 (VCV003656226.2).